The following is an entry in ClinVar:

NM_001378457.1(DMXL2):c.8924A>G (p.Tyr2975Cys)

Genes: DMXL2 (Dmx like 2; minus strand), LOC126862131 (MED14-independent group 3 enhancer GRCh37_chr15:51741640-51742839; plus strand). Cytogenetic location: 15q21.2.
Variant type: single nucleotide variant.
Coding change: c.8924A>G on transcript NM_001378457.1 (MANE Select); coding-DNA position 8924, A replaced by G.
Protein change: p.Tyr2975Cys; replaces tyrosine 2975 with cysteine.
Molecular consequence: missense variant. On other transcripts: non-coding transcript variant (2).
Genome position (GRCh38, 1-based): chr15:51,450,172, T>C on the plus strand (A>G on the coding strand, the complement: DMXL2 is on the minus strand). VCF-style: chr15-51450172-T-C. GRCh37 (hg19) VCF-style: chr15-51742369-T-C.
Other names: c.8861A>G, p.Tyr2954Cys (NM_001174116.3); c.6950A>G, p.Tyr2317Cys (NM_001174117.3); c.8921A>G, p.Tyr2974Cys (NM_001378458.1); c.8636A>G, p.Tyr2879Cys (NM_001378459.1); c.6839A>G, p.Tyr2280Cys (NM_001378460.1); c.8858A>G, p.Tyr2953Cys (NM_015263.5); short protein forms Y2280C, Y2317C, Y2879C, Y2953C, Y2954C, Y2974C, Y2975C.
Identifiers: ClinVar variation 1714642 (VCV001714642.6), dbSNP rs142904221, ClinGen allele CA7560869.

ClinVar aggregate classification (germline): Uncertain significance (1 of 4 stars; one submission).

Allele frequency attached by ClinVar (database versions not stated): gnomAD exomes below 0.00001; ExAC 0.00001; gnomAD 0.00002; 1000 Genomes Project 30x 0.00016; 1000 Genomes Project 0.00020.
gnomAD v4.1: 5 of 1,614,006 alleles (0.00031%); highest among the groups gnomAD compares: Middle Eastern, 0.017%; no homozygotes.

Submission:

Labcorp Genetics (formerly Invitae), Labcorp
Classification: Uncertain significance. Last evaluated: 2022-07-31. Review status: criteria provided, single submitter. Criteria: Invitae Variant Classification Sherloc (09022015). Collection method: clinical testing. Allele origin: germline.
Comment: This sequence change replaces tyrosine, which is neutral and polar, with cysteine, which is neutral and slightly polar, at codon 2954 of the DMXL2 protein (p.Tyr2954Cys). This variant is present in population databases (rs142904221, gnomAD 0.005%). This variant has not been reported in the literature in individuals affected with DMXL2-related conditions. Algorithms developed to predict the effect of missense changes on protein structure and function output the following: SIFT: "Tolerated"; PolyPhen-2: "Benign"; Align-GVGD: "Class C0". The cysteine amino acid residue is found in multiple mammalian species, which suggests that this missense change does not adversely affect protein function. In summary, the available evidence is currently insufficient to determine the role of this variant in disease. Therefore, it has been classified as a Variant of Uncertain Significance.